The following is an entry in ClinVar:

ClinVar aggregate classification (germline): Conflicting classifications of pathogenicity. Review status: criteria provided, conflicting classifications (1 of 4 stars). 3 submissions from 3 submitters: Uncertain significance (2); Likely benign (1). Last evaluated 2024-06-12.

Allele frequency attached by ClinVar (database versions not stated): gnomAD exomes 0.00005; ExAC 0.00018; gnomAD 0.00043; 1000 Genomes Project 30x 0.00047; TOPMed 0.00047; 1000 Genomes Project 0.00060; ESP Exome Variant Server 0.00093.
gnomAD v4.1: 146 of 1,613,142 alleles (0.0091%); highest among the groups gnomAD compares: African/African-American, 0.16%; 1 homozygote.

Submissions (3):

Labcorp Genetics (formerly Invitae), Labcorp
Classification: Uncertain significance. Last evaluated: 2024-06-12. Review status: criteria provided, single submitter. Criteria: Invitae Variant Classification Sherloc (09022015). Collection method: clinical testing. Allele origin: germline.
Comment: This sequence change falls in intron 3 of the SPTA1 gene. It does not directly change the encoded amino acid sequence of the SPTA1 protein. It affects a nucleotide within the consensus splice site. This variant is present in population databases (rs201305582, gnomAD 0.2%). This variant has not been reported in the literature in individuals affected with SPTA1-related conditions. Variants that disrupt the consensus splice site are a relatively common cause of aberrant splicing (PMID: 17576681, 9536098). Algorithms developed to predict the effect of sequence changes on RNA splicing suggest that this variant is not likely to affect RNA splicing. In summary, the available evidence is currently insufficient to determine the role of this variant in disease. Therefore, it has been classified as a Variant of Uncertain Significance.

ARUP Laboratories, Molecular Genetics and Genomics, ARUP Laboratories
Classification: Uncertain significance. Last evaluated: 2024-01-02. Review status: criteria provided, single submitter. Criteria: ARUP Molecular Germline Variant Investigation Process 2024. Collection method: clinical testing. Allele origin: germline.

Blueprint Genetics
Classification: Likely benign. Last evaluated: 2022-11-24. Review status: criteria provided, single submitter. Criteria: ACMG Guidelines, 2015. Collection method: clinical testing. Allele origin: germline.

Literature cited by the submitters: PubMed 17576681 (cited by Labcorp Genetics (formerly Invitae), Labcorp); PubMed 9536098 (cited by Labcorp Genetics (formerly Invitae), Labcorp).

NM_003126.4(SPTA1):c.390+4T>C

Gene: SPTA1 (spectrin alpha, erythrocytic 1; minus strand). Cytogenetic location: 1q23.1.
Variant type: single nucleotide variant.
Coding change: c.390+4T>C on transcript NM_003126.4 (MANE Select); 4 bases into the intron after coding-DNA position 390, T replaced by C.
Molecular consequence: intron variant.
Genome position (GRCh38, 1-based): chr1:158,683,367, A>G on the plus strand (T>C on the coding strand, the complement: SPTA1 is on the minus strand). VCF-style: chr1-158683367-A-G. GRCh37 (hg19) VCF-style: chr1-158653157-A-G.
Identifiers: ClinVar variation 2713750 (VCV002713750.6), dbSNP rs201305582, ClinGen allele CA1184180.